The following is an entry in ClinVar:

ClinVar aggregate classification (germline): Uncertain significance. Review status: criteria provided, multiple submitters, no conflicts (2 of 4 stars). 2 submissions from 2 submitters: Uncertain significance (2). Last evaluated 2025-04-25.

Conditions:
Long QT syndrome (LQTS). Identifiers: MedGen C0023976, MeSH D008133, MONDO:0002442. Disease mechanism: loss of function. Inheritance: Various modes of inheritance.

gnomAD v4.1: 1 of 1,614,208 alleles (0.000062%); no homozygotes.

Submissions (2):

Revvity Omics, Revvity
Classification: Uncertain significance. Last evaluated: 2025-04-25. Review status: criteria provided, single submitter. Criteria: ACMG Guidelines, 2015. Collection method: clinical testing. Allele origin: germline.

Labcorp Genetics (formerly Invitae), Labcorp
Classification: Uncertain significance for Long QT syndrome. Last evaluated: 2025-03-23. Review status: criteria provided, single submitter. Criteria: Invitae Variant Classification Sherloc (09022015). Collection method: clinical testing. Allele origin: germline.
Comment: This sequence change replaces phenylalanine, which is neutral and non-polar, with leucine, which is neutral and non-polar, at codon 1454 of the CACNA1C protein (p.Phe1454Leu). This variant is present in population databases (no rsID available, gnomAD 0.004%). This variant has not been reported in the literature in individuals affected with CACNA1C-related conditions. Invitae Evidence Modeling of protein sequence and biophysical properties (such as structural, functional, and spatial information, amino acid conservation, physicochemical variation, residue mobility, and thermodynamic stability) indicates that this missense variant is not expected to disrupt CACNA1C protein function with a negative predictive value of 95%. In summary, the available evidence is currently insufficient to determine the role of this variant in disease. Therefore, it has been classified as a Variant of Uncertain Significance.

NM_000719.7(CACNA1C):c.4360T>C (p.Phe1454Leu)

Gene: CACNA1C (calcium voltage-gated channel subunit alpha1 C; plus strand). Cytogenetic location: 12p13.33.
Variant type: single nucleotide variant.
Coding change: c.4360T>C on transcript NM_000719.7 (MANE Select); coding-DNA position 4360, T replaced by C.
Protein change: p.Phe1454Leu; replaces phenylalanine 1454 with leucine.
Molecular consequence: missense variant.
Genome position (GRCh38, 1-based): chr12:2,664,952, T>C. VCF-style: chr12-2664952-T-C. GRCh37 (hg19) VCF-style: chr12-2774118-T-C.
Other names: c.4504T>C, p.Phe1502Leu (NM_001129827.2, NM_199460.4); c.4426T>C, p.Phe1476Leu (NM_001129829.2); c.4360T>C, p.Phe1454Leu (NM_001129830.3, NM_001129833.2, NM_001129834.2 and 7 more transcripts); c.4444T>C, p.Phe1482Leu (NM_001129831.2); c.4420T>C, p.Phe1474Leu (NM_001129832.2); c.4411T>C, p.Phe1471Leu (NM_001129836.2); c.4327T>C, p.Phe1443Leu (NM_001129837.2, NM_001129838.2, NM_001129846.2 and 1 more transcripts); c.4321T>C, p.Phe1441Leu (NM_001129839.2); and 1 more; short protein forms F1441L, F1443L, F1451L, F1454L, F1471L, F1474L, F1476L, F1482L.
Identifiers: ClinVar variation 4078142 (VCV004078142.2).